The following is an entry in ClinVar:

NM_005228.5(EGFR):c.3523G>A (p.Asp1175Asn)

Gene: EGFR (epidermal growth factor receptor; plus strand). Cytogenetic location: 7p11.2.
Variant type: single nucleotide variant.
Coding change: c.3523G>A on transcript NM_005228.5 (MANE Select); coding-DNA position 3523, G replaced by A.
Protein change: p.Asp1175Asn; replaces aspartic acid 1175 with asparagine.
Molecular consequence: missense variant.
Genome position (GRCh38, 1-based): chr7:55,205,507, G>A. VCF-style: chr7-55205507-G-A. GRCh37 (hg19) VCF-style: chr7-55273200-G-A.
Other names: c.3388G>A, p.Asp1130Asn (NM_001346899.2); c.3364G>A, p.Asp1122Asn (NM_001346900.2); c.2722G>A, p.Asp908Asn (NM_001346941.2); short protein forms D1130N, D1175N, D1122N, D908N.
Identifiers: ClinVar variation 971772 (VCV000971772.9), dbSNP rs1788074742, ClinGen allele CA367584813.

ClinVar aggregate classification (germline): Uncertain significance (1 of 4 stars; one submission).

Conditions:
EGFR-related lung cancer (EGFR). Identifiers: MedGen CN130014.

Submission:

Labcorp Genetics (formerly Invitae), Labcorp
Classification: Uncertain significance for EGFR-related lung cancer. Last evaluated: 2019-11-13. Review status: criteria provided, single submitter. Criteria: Invitae Variant Classification Sherloc (09022015). Collection method: clinical testing. Allele origin: germline.
Comment: This sequence change replaces aspartic acid with asparagine at codon 1175 of the EGFR protein (p.Asp1175Asn). The aspartic acid residue is moderately conserved and there is a small physicochemical difference between aspartic acid and asparagine. This variant is not present in population databases (ExAC no frequency). This variant has not been reported in the literature in individuals with EGFR-related conditions. Algorithms developed to predict the effect of missense changes on protein structure and function (SIFT, PolyPhen-2, Align-GVGD) all suggest that this variant is likely to be tolerated, but these predictions have not been confirmed by published functional studies and their clinical significance is uncertain. In summary, the available evidence is currently insufficient to determine the role of this variant in disease. Therefore, it has been classified as a Variant of Uncertain Significance.